The following is an entry in ClinVar:

ClinVar aggregate classification (germline): Uncertain significance (1 of 4 stars; one submission).

Conditions:
Aicardi-Goutieres syndrome 5. Identifiers: Orphanet 51, MedGen C2749659, MONDO:0013059, OMIM 612952.

Submission:

Labcorp Genetics (formerly Invitae), Labcorp
Classification: Uncertain significance for Aicardi-Goutieres syndrome 5. Last evaluated: 2022-06-19. Review status: criteria provided, single submitter. Criteria: Invitae Variant Classification Sherloc (09022015). Collection method: clinical testing. Allele origin: germline.
Comment: In summary, the available evidence is currently insufficient to determine the role of this variant in disease. Therefore, it has been classified as a Variant of Uncertain Significance. Algorithms developed to predict the effect of sequence changes on RNA splicing suggest that this variant may create or strengthen a splice site. Algorithms developed to predict the effect of missense changes on protein structure and function (SIFT, PolyPhen-2, Align-GVGD) all suggest that this variant is likely to be tolerated. This variant has not been reported in the literature in individuals affected with SAMHD1-related conditions. This variant is not present in population databases (gnomAD no frequency). This sequence change replaces lysine, which is basic and polar, with arginine, which is basic and polar, at codon 230 of the SAMHD1 protein (p.Lys230Arg).

NM_015474.4(SAMHD1):c.689A>G (p.Lys230Arg)

Gene: SAMHD1 (SAM and HD domain containing deoxynucleoside triphosphate triphosphohydrolase 1; minus strand). Cytogenetic location: 20q11.23.
Variant type: single nucleotide variant.
Coding change: c.689A>G on transcript NM_015474.4 (MANE Select); coding-DNA position 689, A replaced by G.
Protein change: p.Lys230Arg; replaces lysine 230 with arginine.
Molecular consequence: missense variant.
Genome position (GRCh38, 1-based): chr20:36,927,189, T>C on the plus strand (A>G on the coding strand, the complement: SAMHD1 is on the minus strand). VCF-style: chr20-36927189-T-C. GRCh37 (hg19) VCF-style: chr20-35555592-T-C.
Other names: c.689A>G, p.Lys230Arg (NM_001363729.2, NM_001363733.2); short protein forms K230R.
Identifiers: ClinVar variation 2008511 (VCV002008511.4), dbSNP rs2515254205, ClinGen allele CA408821456.